The following is an entry in ClinVar:

NM_001042492.3(NF1):c.6704+2dup

Gene: NF1 (neurofibromin 1; plus strand). Cytogenetic location: 17q11.2.
Variant type: Duplication.
Coding change: c.6704+2dup on transcript NM_001042492.3 (MANE Select); the canonical splice donor site of the intron after coding-DNA position 6704, one base duplicated (T; older notation c.6704+2dupT).
Molecular consequence: splice donor variant.
Genome position (GRCh38, 1-based): chr17:31,337,882, T duplicated. VCF-style (leftmost placement, unchanged base first): chr17-31337881-G-GT. GRCh37 (hg19) VCF-style: chr17-29664899-G-GT.
Other names: c.6641+2dup (NM_000267.4).
Identifiers: ClinVar variation 3726945 (VCV003726945.2).
Genomic context (GRCh38, chr17:31,337,881, plus strand): 5'-ATGCATGAGAGATATTCCAACGTGCAAGTGGCTGGACCAGTGGACAGAACTAGCTCAAAG[G>GT]TATGTCCTAAATTAAATATAAGTTGTAAAAATATGCATATTGTTGAAAATACAGCTATTA-3'

ClinVar aggregate classification (germline): Uncertain significance (1 of 4 stars; one submission).

Conditions:
Neurofibromatosis, type 1 (NF1). Also called: NEUROFIBROMATOSIS, TYPE I, SOMATIC; Peripheral type neurofibromatosis; Neurofibromatosis, type I; VON RECKLINGHAUSEN DISEASE. Identifiers: Orphanet 636, MedGen C0027831, MONDO:0018975, OMIM 162200. Disease mechanism: loss of function.

Submission:

Labcorp Genetics (formerly Invitae), Labcorp
Classification: Uncertain significance for Neurofibromatosis, type 1. Last evaluated: 2024-12-09. Review status: criteria provided, single submitter. Criteria: Invitae Variant Classification Sherloc (09022015). Collection method: clinical testing. Allele origin: germline.
Comment: This sequence change falls in intron 43 of the NF1 gene. It does not directly change the encoded amino acid sequence of the NF1 protein. It affects a nucleotide within the consensus splice site. This variant is present in population databases (no rsID available, gnomAD 0.003%). This variant has not been reported in the literature in individuals affected with NF1-related conditions. Variants that disrupt the consensus splice site are a relatively common cause of aberrant splicing (PMID: 17576681, 9536098). Algorithms developed to predict the effect of sequence changes on RNA splicing suggest that this variant may disrupt the consensus splice site. In summary, the available evidence is currently insufficient to determine the role of this variant in disease. Therefore, it has been classified as a Variant of Uncertain Significance.

Literature cited by the submitters: PubMed 17576681; PubMed 9536098.